The following is an entry in ClinVar:

NM_002335.4(LRP5):c.3279C>G (p.Ile1093Met)

Gene: LRP5 (LDL receptor related protein 5; plus strand). Cytogenetic location: 11q13.2.
Variant type: single nucleotide variant.
Coding change: c.3279C>G on transcript NM_002335.4 (MANE Select); coding-DNA position 3279, C replaced by G.
Protein change: p.Ile1093Met; replaces isoleucine 1093 with methionine.
Molecular consequence: missense variant.
Genome position (GRCh38, 1-based): chr11:68,425,144, C>G. VCF-style: chr11-68425144-C-G. GRCh37 (hg19) VCF-style: chr11-68192612-C-G.
Other names: p.Ile1093Met; c.3279C>G (NM_002335.2); c.1536C>G, p.Ile512Met (NM_001291902.2); short protein forms I1093M, I512M.
Identifiers: ClinVar variation 967925 (VCV000967925.16), dbSNP rs140852936, ClinGen allele CA6149933.
Genomic context (GRCh38, chr11:68,425,144, plus strand): 5'-CCCGCCACCCTCCCGCAGGTACCTGTACTTCACCAACATGCAGGACCGGGCAGCCAAGAT[C>G]GAACGCGCAGCCCTGGACGGCACCGAGCGCGAGGTCCTCTTCACCACCGGCCTCATCCGC-3'
Protein context (NP_002326.2, residues 1083-1103): FTNMQDRAAK[Ile1093Met]ERAALDGTER

ClinVar aggregate classification (germline): Uncertain significance. Review status: criteria provided, multiple submitters, no conflicts (2 of 4 stars). 7 submissions from 7 submitters: Uncertain significance (7). Last evaluated 2026-01-20.

Conditions:
Inborn genetic diseases. Identifiers: MedGen C0950123, MeSH D030342.
Osteoporosis. Identifiers: MedGen C0029456, MONDO:0005298, OMIM 166710, HP:0000939.
Osteoporosis with pseudoglioma (OPPG). Also called: osteoporosis-pseudoglioma syndrome. Identifiers: Orphanet 2788, MedGen C0432252, MONDO:0009820, OMIM 259770.
Polycystic liver disease 4 with or without kidney cysts. Identifiers: MedGen C4693479, MONDO:0044327, OMIM 617875.
Worth disease. Also called: OSTEOSCLEROSIS, AUTOSOMAL DOMINANT; ENDOSTEAL HYPEROSTOSIS, AUTOSOMAL DOMINANT; Autosomal dominant osteosclerosis, Worth type. Identifiers: Orphanet 2790, MedGen C0432273, MONDO:0007764, OMIM 144750.
Exudative vitreoretinopathy 4 (EVR4). Identifiers: Orphanet 891, MedGen C1866176, MONDO:0011151, OMIM 601813.
Bone mineral density quantitative trait locus 1 (BMND1). Identifiers: MedGen C1866079, OMIM 601884.
Autosomal dominant osteopetrosis 1 (OPTA1). Also called: OSTEOPETROSIS, AUTOSOMAL DOMINANT, TYPE I. Identifiers: Orphanet 2783, MedGen C1843330, MONDO:0011877, OMIM 607634.
Exudative vitreoretinopathy 1 (EVR1). Also called: FEVR, AUTOSOMAL DOMINANT; Familial exudative vitreoretinopathy, autosomal dominant; CRISWICK-SCHEPENS SYNDROME. Identifiers: Orphanet 891, Orphanet 90050, MedGen C1851402, MONDO:0007589, OMIM 133780.
LRP5-related disorder. Also called: LRP5-related condition.

Allele frequency attached by ClinVar (database versions not stated): ESP Exome Variant Server 0.00008; TOPMed 0.00010; gnomAD 0.00012 and 0.00013.
gnomAD v4.1: 204 of 1,613,630 alleles (0.013%); highest among the groups gnomAD compares: Non-Finnish European, 0.016%; no homozygotes.

Submissions (7):

Labcorp Genetics (formerly Invitae), Labcorp
Classification: Uncertain significance. Last evaluated: 2026-01-20. Review status: criteria provided, single submitter. Criteria: Invitae Variant Classification Sherloc (09022015). Collection method: clinical testing. Allele origin: germline.
Comment: This sequence change replaces isoleucine, which is neutral and non-polar, with methionine, which is neutral and non-polar, at codon 1093 of the LRP5 protein (p.Ile1093Met). This variant is present in population databases (rs140852936, gnomAD 0.03%). This variant has not been reported in the literature in individuals affected with LRP5-related conditions. ClinVar contains an entry for this variant (Variation ID: 967925). Invitae Evidence Modeling of protein sequence and biophysical properties (such as structural, functional, and spatial information, amino acid conservation, physicochemical variation, residue mobility, and thermodynamic stability) has been performed for this missense variant. However, the output from this modeling did not meet the statistical confidence thresholds required to predict the impact of this variant on LRP5 protein function. In summary, the available evidence is currently insufficient to determine the role of this variant in disease. Therefore, it has been classified as a Variant of Uncertain Significance.

PreventionGenetics, part of Exact Sciences
Classification: Uncertain significance for LRP5-related condition. Last evaluated: 2025-03-18. Review status: criteria provided, single submitter. Criteria: ACMG Guidelines, 2015. Collection method: clinical testing. Allele origin: germline.
Comment: The LRP5 c.3279C>G variant is predicted to result in the amino acid substitution p.Ile1093Met. To our knowledge, this variant has not been reported in the literature. This variant is present in 0.033% of alleles in individuals of European (Non-Finnish) descent in gnomAD. At this time, the clinical significance of this variant is uncertain due to the absence of conclusive functional and genetic evidence.

Blueprint Genetics
Classification: Uncertain significance. Last evaluated: 2023-11-29. Review status: criteria provided, single submitter. Criteria: ACMG Guidelines, 2015. Collection method: clinical testing. Allele origin: germline.

Clinical Genetics Laboratory, Skane University Hospital Lund
Classification: Uncertain significance. Last evaluated: 2023-11-01. Review status: criteria provided, single submitter. Criteria: ACMG Guidelines, 2015. Collection method: clinical testing. Allele origin: germline. Affected: yes.

Mayo Clinic Laboratories, Mayo Clinic
Classification: Uncertain significance. Last evaluated: 2023-09-06. Review status: criteria provided, single submitter. Criteria: ACMG Guidelines, 2015. Collection method: clinical testing. Allele origin: germline. Observed: 1 variant allele.
Comment: PP3

Fulgent Genetics
Classification: Uncertain significance for Exudative vitreoretinopathy 1; Worth disease; Osteoporosis; Osteoporosis with pseudoglioma; Exudative vitreoretinopathy 4; Bone mineral density quantitative trait locus 1; Autosomal dominant osteopetrosis 1; Polycystic liver disease 4 with or without kidney cysts. Last evaluated: 2022-02-03. Review status: criteria provided, single submitter. Criteria: ACMG Guidelines, 2015. Collection method: clinical testing. Allele origin: unknown.

Ambry Genetics
Classification: Uncertain significance for Inborn genetic diseases. Last evaluated: 2021-10-12. Review status: criteria provided, single submitter. Criteria: Ambry Variant Classification Scheme 2023. Collection method: clinical testing. Allele origin: germline.